The following is an entry in ClinVar:

NM_005199.5(CHRNG):c.402del (p.Asp135fs)

Gene: CHRNG (cholinergic receptor nicotinic gamma subunit; plus strand). Cytogenetic location: 2q37.1.
Variant type: Deletion.
Coding change: c.402del on transcript NM_005199.5 (MANE Select); coding-DNA position 402, one base deleted (T; older notation c.402delT).
Protein change: p.Asp135fs; shifts the reading frame from aspartic acid 135.
Molecular consequence: frameshift variant.
Genome position (GRCh38, 1-based): chr2:232,541,425, T deleted. VCF-style (leftmost placement, unchanged base first): chr2-232541424-CT-C. GRCh37 (hg19) VCF-style: chr2-233406134-CT-C.
Other names: short protein forms D135fs.
Identifiers: ClinVar variation 2771045 (VCV002771045.4), dbSNP rs768867302, ClinGen allele CA2168653.

ClinVar aggregate classification (germline): Pathogenic/Likely pathogenic. Review status: criteria provided, multiple submitters, no conflicts (2 of 4 stars). 2 submissions from 2 submitters: Pathogenic (1); Likely pathogenic (1). Last evaluated 2024-01-03.

Conditions:
Lethal multiple pterygium syndrome (LMPS). Identifiers: Orphanet 33108, MedGen C1854678, MONDO:0009668, OMIM 253290.
Autosomal recessive multiple pterygium syndrome. Also called: PTERYGIUM COLLI SYNDROME; PTERYGIUM SYNDROME; PTERYGIUM UNIVERSALE; MULTIPLE PTERYGIUM SYNDROME, ESCOBAR VARIANT. Identifiers: Orphanet 2990, MedGen C0265261, MONDO:0009926, OMIM 265000.

Allele frequency attached by ClinVar (database versions not stated): gnomAD exomes below 0.00001; ExAC 0.00002; gnomAD 0.00003; TOPMed 0.00003.

Submissions (2):

Fulgent Genetics
Classification: Likely pathogenic for Lethal multiple pterygium syndrome; Autosomal recessive multiple pterygium syndrome. Last evaluated: 2024-01-03. Review status: criteria provided, single submitter. Criteria: ACMG Guidelines, 2015. Collection method: clinical testing. Allele origin: germline.

Labcorp Genetics (formerly Invitae), Labcorp
Classification: Pathogenic. Last evaluated: 2023-12-19. Review status: criteria provided, single submitter. Criteria: Invitae Variant Classification Sherloc (09022015). Collection method: clinical testing. Allele origin: germline.
Comment: This sequence change creates a premature translational stop signal (p.Asp135Thrfs*48) in the CHRNG gene. It is expected to result in an absent or disrupted protein product. Loss-of-function variants in CHRNG are known to be pathogenic (PMID: 16826520). This variant is present in population databases (rs768867302, gnomAD 0.007%). This variant has not been reported in the literature in individuals affected with CHRNG-related conditions. For these reasons, this variant has been classified as Pathogenic.

Literature cited by the submitters: PubMed 16826520 (cited by Labcorp Genetics (formerly Invitae), Labcorp).